The following is an entry in ClinVar:

NM_001792.5(CDH2):c.2511T>C (p.Asn837=)

Genes: CDH2 (cadherin 2; minus strand), CDH2-AS1 (CDH2 antisense RNA 1; plus strand). Cytogenetic location: 18q12.1.
Variant type: single nucleotide variant.
Coding change: c.2511T>C on transcript NM_001792.5 (MANE Select); coding-DNA position 2511, T replaced by C.
Protein change: p.Asn837=; no amino-acid change (asparagine 837 retained).
Molecular consequence: synonymous variant.
Genome position (GRCh38, 1-based): chr18:27,963,360, A>G on the plus strand (T>C on the coding strand, the complement: CDH2 is on the minus strand). VCF-style: chr18-27963360-A-G. GRCh37 (hg19) VCF-style: chr18-25543324-A-G.
Other names: c.2418T>C, p.Asn806= (NM_001308176.2).
Identifiers: ClinVar variation 1922607 (VCV001922607.14), dbSNP rs368133718, ClinGen allele CA8923137.

ClinVar aggregate classification (germline): Likely benign. Review status: criteria provided, multiple submitters, no conflicts (2 of 4 stars). 3 submissions from 3 submitters: Likely benign (3). Last evaluated 2025-09-30.

Conditions:
Inborn genetic diseases. Identifiers: MedGen C0950123, MeSH D030342.

Allele frequency attached by ClinVar (database versions not stated): ExAC 0.00003; gnomAD 0.00003; TOPMed 0.00003; gnomAD exomes 0.00005; ESP Exome Variant Server 0.00008.
gnomAD v4.1: 90 of 1,613,936 alleles (0.0056%); highest among the groups gnomAD compares: Non-Finnish European, 0.0066%; no homozygotes.

Submissions (3):

Labcorp Genetics (formerly Invitae), Labcorp
Classification: Likely benign. Last evaluated: 2025-09-30. Review status: criteria provided, single submitter. Criteria: Invitae Variant Classification Sherloc (09022015). Collection method: clinical testing. Allele origin: germline.

CeGaT Center for Human Genetics Tuebingen
Classification: Likely benign. Last evaluated: 2025-09-01. Review status: criteria provided, single submitter. Criteria: CeGaT Center For Human Genetics Tuebingen Variant Classification Criteria Version 2. Collection method: clinical testing. Allele origin: germline. Affected: yes. Observed: 1 variant allele.
Comment: CDH2: BP4, BP7

Ambry Genetics
Classification: Likely benign for Inborn genetic diseases. Last evaluated: 2023-01-18. Review status: criteria provided, single submitter. Criteria: Ambry Variant Classification Scheme 2023. Collection method: clinical testing. Allele origin: germline.